The following is an entry in ClinVar:

NM_145207.3(AFG2A):c.2T>C (p.Met1Thr)

Gene: AFG2A (AAA ATPase AFG2A; plus strand). Cytogenetic location: 4q28.1.
Variant type: single nucleotide variant.
Coding change: c.2T>C on transcript NM_145207.3 (MANE Select); coding-DNA position 2, T replaced by C.
Protein change: p.Met1Thr; changes the start codon (methionine 1).
Molecular consequence: missense variant, initiator codon variant.
Genome position (GRCh38, 1-based): chr4:122,923,144, T>C. VCF-style: chr4-122923144-T-C. GRCh37 (hg19) VCF-style: chr4-123844299-T-C.
Other names: c.2T>C, p.Met1Thr (NM_001317799.2, NM_001345856.2); short protein forms M1T.
Identifiers: ClinVar variation 475728 (VCV000475728.9), dbSNP rs765170329, ClinGen allele CA3070108.

ClinVar aggregate classification (germline): Conflicting classifications of pathogenicity. Review status: criteria provided, conflicting classifications (1 of 4 stars). 3 submissions from 3 submitters: Likely pathogenic (1); Uncertain significance (2). Last evaluated 2026-06-22.

Conditions:
Microcephaly-intellectual disability-sensorineural hearing loss-epilepsy-abnormal muscle tone syndrome (NEDHSB). Also called: NEURODEVELOPMENTAL DISORDER WITH HEARING LOSS, SEIZURES, AND BRAIN ABNORMALITIES. Identifiers: Orphanet 457351, MedGen C4225276, MONDO:0014698, OMIM 616577.

Allele frequency attached by ClinVar (database versions not stated): TOPMed 0.00002; gnomAD 0.00003.
gnomAD v4.1: 33 of 1,613,964 alleles (0.002%); highest among the groups gnomAD compares: Admixed American, 0.0017%; no homozygotes.

Submissions (3):

Women's Health and Genetics/Laboratory Corporation of America, LabCorp
Classification: Uncertain significance. Last evaluated: 2026-06-22. Review status: criteria provided, single submitter. Criteria: LabCorp Variant Classification Summary - May 2015. Collection method: clinical testing. Allele origin: germline.
Comment: Variant summary: AFG2A c.2T>C (p.Met1Thr) alters the initiation codon and is predicted to result either in absence of the protein or truncation of the encoded protein due to translation initiation at a downstream codon. The next downstream in-frame Met is found at codon 75. The variant allele was found at a frequency of 2e-05 in 1613964 control chromosomes. This frequency is not significantly higher than estimated for disease-causing variants in AFG2A, allowing no conclusion about variant significance. c.2T>C has not been reported but another variant (c.1A>C) with the same codon effect was observed in individuals affected early-onset epileptic encephalopathy or cerebral Palsy (Papuc_2019, Moreno-De-Luca_2021). These reports do not provide unequivocal conclusions about association of the variant with Epilepsy, Hearing Loss, And Mental Retardation Syndrome. To our knowledge, no experimental evidence demonstrating an impact on protein function has been reported. The following publications have been ascertained in the context of this evaluation (PMID: 31980526, 30552426, 33528536). ClinVar contains an entry for this variant (Variation ID: 475728). Based on the evidence outlined above, the variant was classified as uncertain significance.

Labcorp Genetics (formerly Invitae), Labcorp
Classification: Uncertain significance for Microcephaly-intellectual disability-sensorineural hearing loss-epilepsy-abnormal muscle tone syndrome. Last evaluated: 2022-08-23. Review status: criteria provided, single submitter. Criteria: Invitae Variant Classification Sherloc (09022015). Collection method: clinical testing. Allele origin: germline.
Comment: This sequence change affects the initiator methionine of the SPATA5 mRNA. The next in-frame methionine is located at codon 75. This variant is present in population databases (rs765170329, gnomAD 0.03%). Disruption of the initiator codon has been observed in individual(s) with early-onset epileptic encephalopathy (PMID: 30552426). ClinVar contains an entry for this variant (Variation ID: 475728). Experimental studies and prediction algorithms are not available or were not evaluated, and the functional significance of this variant is currently unknown. In summary, the available evidence is currently insufficient to determine the role of this variant in disease. Therefore, it has been classified as a Variant of Uncertain Significance.

Athena Diagnostics
Classification: Likely pathogenic. Last evaluated: 2019-03-18. Review status: criteria provided, single submitter. Criteria: Athena Diagnostics Criteria. Collection method: clinical testing. Allele origin: germline.
Comment: The variant disrupts the natural start codon, and is therefore predicted to result in the loss of a functional protein. The best available variant frequency is uninformative because it is below the disease allele frequency.

Literature cited by the submitters: PubMed 31980526 (cited by Women's Health and Genetics/Laboratory Corporation of America, LabCorp); PubMed 30552426 (cited by Women's Health and Genetics/Laboratory Corporation of America, LabCorp and Labcorp Genetics (formerly Invitae), Labcorp); PubMed 33528536 (cited by Women's Health and Genetics/Laboratory Corporation of America, LabCorp).